The following is an entry in ClinVar:

ClinVar aggregate classification (germline): Likely benign. Review status: criteria provided, single submitter (1 of 4 stars). 2 submissions from 2 submitters: Likely benign (1). 1 of the submissions does not count toward it. Last evaluated 2023-03-23.

Conditions:
Hereditary cancer-predisposing syndrome. Also called: Hereditary Cancer Syndrome; Hereditary neoplastic syndrome; Neoplastic Syndromes, Hereditary; Tumor predisposition. Identifiers: Orphanet 140162, MedGen C0027672, MeSH D009386, MONDO:0015356.
Malignant tumor of breast. Also called: Malignant breast neoplasm; Cancer breast. Identifiers: MedGen C0006142, MONDO:0007254. Disease mechanism: loss of function.

Submissions (2):

University of Washington Department of Laboratory Medicine, University of Washington
Classification: Likely benign for Hereditary cancer-predisposing syndrome. Last evaluated: 2023-03-23. Review status: criteria provided, single submitter. Criteria: Dines et al. (Genet Med. 2020). Collection method: curation. Allele origin: germline.
Comment: Missense variant in a coldspot region where missense variants are very unlikely to be pathogenic (PMID:31911673).

BRCA2 exon 11 coldspot. Reclassification based on statistical prior probability.

Department of Pathology and Laboratory Medicine, Sinai Health System
Classification: Uncertain significance for Malignant tumor of breast. Review status: no assertion criteria provided. Collection method: clinical testing. Allele origin: unknown. Affected: yes. Study: The Canadian Open Genetics Repository (COGR). Not counted in ClinVar's aggregate classification.
Comment: The BRCA2 p.Asn1805Asp variant was not identified in the literature nor was it identified in the dbSNP, NHLBI Exome Sequencing Project (Exome Variant Server), HGMD, LOVD, COSMIC, UMD, ClinVar, or BIC databases. The p.Asn1805 residue is not conserved in mammals and the variant amino acid asparagine (Asp) is present in cow, chicken, and tetraodon, increasing the likelihood that this variant does not have clinical significance. Computational analyses (PolyPhen-2, SIFT, AlignGVGD, BLOSUM, MutationTaster) do not suggest a high likelihood of impact to the protein; however, this is not informative enough to rule outpathogenicity. The variant occurs outside of the splicing consensus sequence and in silico or computational prediction software (SpliceSiteFinder, MaxEntScan, NNSPLICE, GeneSplicer, HumanSpliceFinder) predicts a greater than 10% difference in splicing in 2 of 5 programs; however, this information is not very predictive of pathogenicity. In summary, based on the above information, the clinical significance of this variant cannot be determined with certainty at this time. This variant is classified as a variant of unknown significance.

NM_000059.4(BRCA2):c.5413A>G (p.Asn1805Asp)

Gene: BRCA2 (BRCA2 DNA repair associated; plus strand). Cytogenetic location: 13q13.1.
Variant type: single nucleotide variant.
Coding change: c.5413A>G on transcript NM_000059.4 (MANE Select); coding-DNA position 5413, A replaced by G.
Protein change: p.Asn1805Asp; replaces asparagine 1805 with aspartic acid.
Molecular consequence: missense variant.
Genome position (GRCh38, 1-based): chr13:32,339,768, A>G. VCF-style: chr13-32339768-A-G. GRCh37 (hg19) VCF-style: chr13-32913905-A-G.
Other names: short protein forms N1805D.
Identifiers: ClinVar variation 433794 (VCV000433794.5), dbSNP rs1555284211, ClinGen allele CA387785375.
Genomic context (GRCh38, chr13:32,339,768, plus strand): 5'-ACTAGTTTTTCCAAAGTAATATCCAATGTAAAAGATGCAAATGCATACCCACAAACTGTA[A>G]ATGAAGATATTTGCGTTGAGGAACTTGTGACTAGCTCTTCACCCTGCAAAAATAAAAATG-3'
Protein context (NP_000050.3, residues 1795-1815): KDANAYPQTV[Asn1805Asp]EDICVEELVT